The following is an entry in ClinVar:

NM_024334.3(TMEM43):c.96C>T (p.Thr32=)

Gene: TMEM43 (transmembrane protein 43; plus strand). Cytogenetic location: 3p25.1.
Variant type: single nucleotide variant.
Coding change: c.96C>T on transcript NM_024334.3 (MANE Select); coding-DNA position 96, C replaced by T.
Protein change: p.Thr32=; no amino-acid change (threonine 32 retained).
Molecular consequence: synonymous variant.
Genome position (GRCh38, 1-based): chr3:14,129,495, C>T. VCF-style: chr3-14129495-C-T. GRCh37 (hg19) VCF-style: chr3-14170995-C-T.
Identifiers: ClinVar variation 393016 (VCV000393016.18), dbSNP rs1021721320, ClinGen allele CA16604379.

ClinVar aggregate classification (germline): Likely benign. Review status: criteria provided, multiple submitters, no conflicts (2 of 4 stars). 5 submissions from 5 submitters: Likely benign (5). Last evaluated 2025-07-09.

Conditions:
Cardiovascular phenotype. Identifiers: MedGen CN230736.
Arrhythmogenic right ventricular dysplasia 5. Also called: Arrhythmogenic Right Ventricular Dysplasia/Cardiomyopathy 5; ARRHYTHMOGENIC RIGHT VENTRICULAR DYSPLASIA, FAMILIAL, 5. Identifiers: MedGen C1858379, MONDO:0011459, OMIM 604400.

Allele frequency attached by ClinVar (database versions not stated): gnomAD exomes below 0.00001; gnomAD 0.00003; TOPMed 0.00006.
gnomAD v4.1: 8 of 1,613,912 alleles (0.0005%); highest among the groups gnomAD compares: Admixed American, 0.0067%; no homozygotes.

Submissions (5):

Labcorp Genetics (formerly Invitae), Labcorp
Classification: Likely benign for Arrhythmogenic right ventricular dysplasia 5. Last evaluated: 2025-07-09. Review status: criteria provided, single submitter. Criteria: Invitae Variant Classification Sherloc (09022015). Collection method: clinical testing. Allele origin: germline.

Blueprint Genetics
Classification: Likely benign. Last evaluated: 2024-06-10. Review status: criteria provided, single submitter. Criteria: ACMG Guidelines, 2015. Collection method: clinical testing. Allele origin: germline.

Ambry Genetics
Classification: Likely benign for Cardiovascular phenotype. Last evaluated: 2022-05-02. Review status: criteria provided, single submitter. Criteria: Ambry Variant Classification Scheme 2023. Collection method: clinical testing. Allele origin: germline.

ARUP Laboratories, Molecular Genetics and Genomics, ARUP Laboratories
Classification: Likely benign. Last evaluated: 2018-06-20. Review status: criteria provided, single submitter. Criteria: ARUP Molecular Germline Variant Investigation Process. Collection method: clinical testing. Allele origin: germline.
Comment: The p.Thr32Thr variant (rs1021721320) does not alter the amino acid sequence of the TMEM43 protein and computational splice site prediction algorithms do not predict a change in the nearest splice site or creation of a cryptic splice site. This variant has not been reported in association with cardiomyopathy in medical literature or in gene specific variation databases. This variant is listed in the Genome Aggregation Database (gnomAD) identified on a single chromosome of 246,160. Based on these observations, the p.Thr32Thr variant is likely to be benign.

GeneDx
Classification: Likely benign. Last evaluated: 2017-01-16. Review status: criteria provided, single submitter. Criteria: GeneDx Variant Classification (06012015). Collection method: clinical testing. Allele origin: germline. Affected: yes.
Comment: This variant is considered likely benign or benign based on one or more of the following criteria: it is a conservative change, it occurs at a poorly conserved position in the protein, it is predicted to be benign by multiple in silico algorithms, and/or has population frequency not consistent with disease.